The following is an entry in ClinVar:

ClinVar aggregate classification (germline): Uncertain significance (1 of 4 stars; one submission).

Conditions:
NSD2-related disorder. Also called: NSD2-related condition; NSD2 related disorders.

Submission:

PreventionGenetics, part of Exact Sciences
Classification: Uncertain significance for NSD2-related condition. Last evaluated: 2025-03-24. Review status: criteria provided, single submitter. Criteria: ACMG Guidelines, 2015. Collection method: clinical testing. Allele origin: germline.
Comment: The NSD2 c.892G>A variant is predicted to result in the amino acid substitution p.Ala298Thr. To our knowledge, this variant has not been reported in the literature or in a large population database (gnomAD), indicating this variant is rare. At this time, the clinical significance of this variant is uncertain due to the absence of conclusive functional and genetic evidence.

NM_001042424.3(NSD2):c.892G>A (p.Ala298Thr)

Gene: NSD2 (nuclear receptor binding SET domain protein 2; plus strand). Cytogenetic location: 4p16.3.
Variant type: single nucleotide variant.
Coding change: c.892G>A on transcript NM_001042424.3 (MANE Select); coding-DNA position 892, G replaced by A.
Protein change: p.Ala298Thr; replaces alanine 298 with threonine.
Molecular consequence: missense variant. On other transcripts: 5 prime UTR variant (2).
Genome position (GRCh38, 1-based): chr4:1,917,002, G>A. VCF-style: chr4-1917002-G-A. GRCh37 (hg19) VCF-style: chr4-1918729-G-A.
Other names: c.892G>A, p.Ala298Thr (NM_001440892.1, NM_001440894.1, NM_001440895.1 and 8 more transcripts); c.991G>A, p.Ala331Thr (NM_001440893.1); c.-78G>A (NM_001440899.1, NM_001440900.1); short protein forms A298T, A331T.
Identifiers: ClinVar variation 4996942 (VCV004996942.1).